The following is an entry in ClinVar:

ClinVar aggregate classification (germline): Uncertain significance. Review status: criteria provided, multiple submitters, no conflicts (2 of 4 stars). 2 submissions from 2 submitters: Uncertain significance (2). Last evaluated 2023-12-08.

Conditions:
Hereditary cancer-predisposing syndrome. Also called: Tumor predisposition; Neoplastic Syndromes, Hereditary; Hereditary Cancer Syndrome; Hereditary neoplastic syndrome. Identifiers: Orphanet 140162, MedGen C0027672, MeSH D009386, MONDO:0015356.
Neurofibromatosis, type 2 (SWNV). Also called: NF2-Related Schwannomatosis; SCHWANNOMATOSIS, VESTIBULAR; BILATERAL ACOUSTIC NEUROFIBROMATOSIS. Identifiers: Orphanet 637, MedGen C0027832, MONDO:0007039, OMIM 101000. Disease mechanism: loss of function.

Submissions (2):

Labcorp Genetics (formerly Invitae), Labcorp
Classification: Uncertain significance for Neurofibromatosis, type 2. Last evaluated: 2023-12-08. Review status: criteria provided, single submitter. Criteria: Invitae Variant Classification Sherloc (09022015). Collection method: clinical testing. Allele origin: germline.
Comment: This sequence change replaces alanine, which is neutral and non-polar, with valine, which is neutral and non-polar, at codon 548 of the NF2 protein (p.Ala548Val). This variant is not present in population databases (gnomAD no frequency). This variant has not been reported in the literature in individuals affected with NF2-related conditions. ClinVar contains an entry for this variant (Variation ID: 1777092). Advanced modeling of protein sequence and biophysical properties (such as structural, functional, and spatial information, amino acid conservation, physicochemical variation, residue mobility, and thermodynamic stability) performed at Invitae indicates that this missense variant is not expected to disrupt NF2 protein function with a negative predictive value of 80%. In summary, the available evidence is currently insufficient to determine the role of this variant in disease. Therefore, it has been classified as a Variant of Uncertain Significance.

Ambry Genetics
Classification: Uncertain significance for Hereditary cancer-predisposing syndrome. Last evaluated: 2020-09-03. Review status: criteria provided, single submitter. Criteria: Ambry Variant Classification Scheme 2023. Collection method: clinical testing. Allele origin: germline.
Comment: The p.A548V variant (also known as c.1643C>T), located in coding exon 15 of the NF2 gene, results from a C to T substitution at nucleotide position 1643. The alanine at codon 548 is replaced by valine, an amino acid with similar properties. This amino acid position is not well conserved in available vertebrate species. In addition, the in silico prediction for this alteration is inconclusive. Since supporting evidence is limited at this time, the clinical significance of this alteration remains unclear.

NM_000268.4(NF2):c.1643C>T (p.Ala548Val)

Gene: NF2 (NF2, moesin-ezrin-radixin like (MERLIN) tumor suppressor; plus strand). Cytogenetic location: 22q12.2.
Variant type: single nucleotide variant.
Coding change: c.1643C>T on transcript NM_000268.4 (MANE Select); coding-DNA position 1643, C replaced by T.
Protein change: p.Ala548Val; replaces alanine 548 with valine.
Molecular consequence: missense variant. On other transcripts: non-coding transcript variant (1), intron variant (1).
Genome position (GRCh38, 1-based): chr22:29,681,507, C>T. VCF-style: chr22-29681507-C-T. GRCh37 (hg19) VCF-style: chr22-30077496-C-T.
Other names: c.1529C>T, p.Ala510Val (NM_001407053.1, NM_001407056.1); c.1520C>T, p.Ala507Val (NM_001407054.1, NM_001407058.1, NM_181829.3); c.1517C>T, p.Ala506Val (NM_001407055.1, NM_181828.3); c.1508C>T, p.Ala503Val (NM_001407057.1, NM_001407059.1); c.1385C>T, p.Ala462Val (NM_001407062.1); c.1394C>T, p.Ala465Val (NM_001407063.1, NM_181830.3, NM_181831.3); c.1109C>T, p.Ala370Val (NM_001407065.1); c.1643C>T, p.Ala548Val (NM_001407066.1, NM_016418.5, NM_181825.3 and 1 more transcripts); and 2 more; short protein forms A462V, A370V, A465V, A471V, A506V, A507V, A503V, A510V.
Identifiers: ClinVar variation 1777092 (VCV001777092.5), dbSNP rs2518734970, ClinGen allele CA411150157.